The following is an entry in ClinVar:

ClinVar aggregate classification (germline): Benign/Likely benign. Review status: criteria provided, multiple submitters, no conflicts (2 of 4 stars). 8 submissions from 7 submitters: Benign (2); Likely benign (5). 1 of the submissions does not count toward it. Last evaluated 2026-10-01.

Conditions:
ALS2-related disorder. Also called: ALS2-related condition; ALS2-related disorders; ALS2-Related Spectrum Disorders. Identifiers: MedGen CN169291.
Amyotrophic lateral sclerosis type 2, juvenile. Also called: ALS, JUVENILE; Amyotrophic lateral sclerosis type 2. Identifiers: Orphanet 300605, MedGen C1859807, MONDO:0008780, OMIM 205100.
Infantile-onset ascending hereditary spastic paralysis (IAHSP). Also called: Autosomal Recessive Juvenile Amyotrophic Lateral Sclerosis; Infantile-Onset Ascending Hereditary Spastic Paralysis (IAHSP). Identifiers: Orphanet 293168, MedGen C2931441, MONDO:0011797, OMIM 607225. Disease mechanism: loss of function.

Allele frequency attached by ClinVar (database versions not stated): ExAC 0.00046; gnomAD exomes 0.00047; ESP Exome Variant Server 0.00117; 1000 Genomes Project 30x 0.00156; 1000 Genomes Project 0.00160; gnomAD 0.00167 and 0.00184; TOPMed 0.00170.
gnomAD v4.1: 710 of 1,614,044 alleles (0.044%); highest among the groups gnomAD compares: African/African-American, 0.52%; no homozygotes.

Submissions (8):

CeGaT Center for Human Genetics Tuebingen
Classification: Likely benign. Last evaluated: 2026-10-01. Review status: criteria provided, single submitter. Criteria: CeGaT Center For Human Genetics Tuebingen Variant Classification Criteria Version 2. Collection method: clinical testing. Allele origin: germline. Affected: yes. Observed: 4 variant alleles.
Comment: ALS2: BP4, BP7

Labcorp Genetics (formerly Invitae), Labcorp
Classification: Benign for Infantile-onset ascending hereditary spastic paralysis. Last evaluated: 2026-01-15. Review status: criteria provided, single submitter. Criteria: Invitae Variant Classification Sherloc (09022015). Collection method: clinical testing. Allele origin: germline.

Blueprint Genetics
Classification: Likely benign. Last evaluated: 2024-08-20. Review status: criteria provided, single submitter. Criteria: ACMG Guidelines, 2015. Collection method: clinical testing. Allele origin: germline.

GeneDx
Classification: Likely benign. Last evaluated: 2021-03-04. Review status: criteria provided, single submitter. Criteria: GeneDx Variant Classification Process June 2021. Collection method: clinical testing. Allele origin: germline. Affected: yes.

Athena Diagnostics
Classification: Benign. Last evaluated: 2019-01-18. Review status: criteria provided, single submitter. Criteria: Athena Diagnostics Criteria. Collection method: clinical testing. Allele origin: germline.

Illumina Laboratory Services, Illumina
Classification: Likely benign for ALS2-Related Disorders. Last evaluated: 2018-01-13. Review status: criteria provided, single submitter. Criteria: ICSL Variant Classification Criteria 13 December 2019. Collection method: clinical testing. Allele origin: germline.
Comment: This variant was observed in the ICSL laboratory as part of a predisposition screen in an ostensibly healthy population. It had not been previously curated by ICSL or reported in the Human Gene Mutation Database (HGMD: prior to June 1st, 2018), and was therefore a candidate for classification through an automated scoring system. Utilizing variant allele frequency, disease prevalence and penetrance estimates, and inheritance mode, an automated score was calculated to assess if this variant is too frequent to cause the disease. Based on the score and internal cut-off values, a variant classified as likely benign is not then subjected to further curation. The score for this variant resulted in a classification of likely benign for this disease.

Illumina Laboratory Services, Illumina
Classification: Likely benign for Amyotrophic lateral sclerosis type 2. Last evaluated: 2018-01-13. Review status: criteria provided, single submitter. Criteria: ICSL Variant Classification Criteria 13 December 2019. Collection method: clinical testing. Allele origin: germline.
Comment: the same text as in the submission from Illumina Laboratory Services, Illumina above.

PreventionGenetics, part of Exact Sciences
Classification: Likely benign for ALS2-related condition. Last evaluated: 2019-08-07. Review status: no assertion criteria provided. Collection method: clinical testing. Allele origin: germline. Not counted in ClinVar's aggregate classification.
Comment: This variant is classified as likely benign based on ACMG/AMP sequence variant interpretation guidelines (Richards et al. 2015 PMID: 25741868, with internal and published modifications).

NM_020919.4(ALS2):c.3309T>C (p.His1103=)

Gene: ALS2 (alsin Rho guanine nucleotide exchange factor ALS2; minus strand). Cytogenetic location: 2q33.1.
Variant type: single nucleotide variant.
Coding change: c.3309T>C on transcript NM_020919.4 (MANE Select); coding-DNA position 3309, T replaced by C.
Protein change: p.His1103=; no amino-acid change (histidine 1103 retained).
Molecular consequence: synonymous variant.
Genome position (GRCh38, 1-based): chr2:201,725,394, A>G on the plus strand (T>C on the coding strand, the complement: ALS2 is on the minus strand). VCF-style: chr2-201725394-A-G. GRCh37 (hg19) VCF-style: chr2-202590117-A-G.
Identifiers: ClinVar variation 465189 (VCV000465189.52), dbSNP rs201920363, ClinGen allele CA2057918.
Genomic context (GRCh38, chr2:201,725,394, plus strand): 5'-CCAACAGCCTTTCCAATGTTACCTGTAGACTCCTTGACCGCACATTTTTCCTTCTTTCCA[A>G]TGGCCCACATAATGGTCTTCTTTGTTCATTGCCTTGTTTGGGATTCTGTATTCTCCATAC-3'
Protein context (NP_065970.2, residues 1093-1113): AMNKEDHYVG[His1103=]WKEGKMCGQG